The following is an entry in ClinVar:

ClinVar aggregate classification (germline): Uncertain significance (1 of 4 stars; one submission).

Conditions:
Familial cancer of breast. Also called: hereditary breast carcinoma; Hereditary breast cancer; BREAST CANCER, FAMILIAL. Identifiers: Orphanet 227535, MedGen C0346153, MONDO:0016419, OMIM 114480. Disease mechanism: loss of function.

Submission:

Labcorp Genetics (formerly Invitae), Labcorp
Classification: Uncertain significance for Familial cancer of breast. Last evaluated: 2025-08-07. Review status: criteria provided, single submitter. Criteria: Invitae Variant Classification Sherloc (09022015). Collection method: clinical testing. Allele origin: germline.
Comment: This sequence change replaces serine, which is neutral and polar, with threonine, which is neutral and polar, at codon 575 of the BARD1 protein (p.Ser575Thr). This variant is not present in population databases (gnomAD no frequency). This variant has not been reported in the literature in individuals affected with BARD1-related conditions. ClinVar contains an entry for this variant (Variation ID: 2000616). An algorithm developed to predict the effect of missense changes on protein structure and function (PolyPhen-2) suggests that this variant is likely to be disruptive. In summary, the available evidence is currently insufficient to determine the role of this variant in disease. Therefore, it has been classified as a Variant of Uncertain Significance.

NM_000465.4(BARD1):c.1724G>C (p.Ser575Thr)

Gene: BARD1 (BRCA1 associated RING domain 1; minus strand). Cytogenetic location: 2q35.
Variant type: single nucleotide variant.
Coding change: c.1724G>C on transcript NM_000465.4 (MANE Select); coding-DNA position 1724, G replaced by C.
Protein change: p.Ser575Thr; replaces serine 575 with threonine.
Molecular consequence: missense variant. On other transcripts: non-coding transcript variant (3), intron variant (1).
Genome position (GRCh38, 1-based): chr2:214,745,808, C>G on the plus strand (G>C on the coding strand, the complement: BARD1 is on the minus strand). VCF-style: chr2-214745808-C-G. GRCh37 (hg19) VCF-style: chr2-215610532-C-G.
Other names: c.1667G>C, p.Ser556Thr (NM_001282543.2); c.371G>C, p.Ser124Thr (NM_001282545.2); c.314G>C, p.Ser105Thr (NM_001282548.2); c.365-15300G>C (NM_001282549.2); short protein forms S124T, S556T, S105T, S575T.
Identifiers: ClinVar variation 2000616 (VCV002000616.4), dbSNP rs774352844, ClinGen allele CA350453138.
Genomic context (GRCh38, chr2:214,745,808, plus strand): 5'-TTAGCCTTAAGAATTACTGCAAGCTCACTGAGCATTTTCTGTTGTTCTGAAGACAGCCCA[C>G]TGCCTATAAGTACAAGAGGTCCATCCCTACGCTGCCCAGTGTTCATCTGTTAATATAAAA-3'
Protein context (NP_000456.2, residues 565-585): RRDGPLVLIG[Ser575Thr]GLSSEQQKML